The following is an entry in ClinVar:

NM_003119.4(SPG7):c.1042C>T (p.Leu348Phe)

Gene: SPG7 (SPG7 matrix AAA peptidase subunit, paraplegin; plus strand). Cytogenetic location: 16q24.3.
Variant type: single nucleotide variant.
Coding change: c.1042C>T on transcript NM_003119.4 (MANE Select); coding-DNA position 1042, C replaced by T.
Protein change: p.Leu348Phe; replaces leucine 348 with phenylalanine.
Molecular consequence: missense variant.
Genome position (GRCh38, 1-based): chr16:89,531,958, C>T. VCF-style: chr16-89531958-C-T. GRCh37 (hg19) VCF-style: chr16-89598366-C-T.
Other names: c.1042C>T, p.Leu348Phe (NM_199367.3, NM_001363850.1); short protein forms L348F.
Identifiers: ClinVar variation 4535126 (VCV004535126.6).
Genomic context (GRCh38, chr16:89,531,958, plus strand): 5'-GTCCAGAGCCCAGAACGCTTCCTCCAGCTTGGCGCCAAGGTCCCAAAGGGCGCACTGCTG[C>T]TCGGCCCCCCCGGCTGTGGGAAGACGCTGCTGGCCAAGGCGGTGGCCACGGAGGCTCAGG-3'
Protein context (NP_003110.1, residues 338-358): GAKVPKGALL[Leu348Phe]GPPGCGKTLL

ClinVar aggregate classification (germline): Uncertain significance (1 of 4 stars; one submission).

gnomAD v4.1: 17 of 1,614,124 alleles (0.0011%); highest among the groups gnomAD compares: South Asian, 0.019%; no homozygotes.

Submission:

CeGaT Center for Human Genetics Tuebingen
Classification: Uncertain significance. Last evaluated: 2025-11-01. Review status: criteria provided, single submitter. Criteria: CeGaT Center For Human Genetics Tuebingen Variant Classification Criteria Version 2. Collection method: clinical testing. Allele origin: germline. Affected: yes. Observed: 1 variant allele.
Comment: SPG7: PM2, PM3:Supporting, PP3